The following is an entry in ClinVar:

NM_006947.4(SRP72):c.1448C>A (p.Thr483Asn)

Gene: SRP72 (signal recognition particle 72; plus strand). Cytogenetic location: 4q12.
Variant type: single nucleotide variant.
Coding change: c.1448C>A on transcript NM_006947.4 (MANE Select); coding-DNA position 1448, C replaced by A.
Protein change: p.Thr483Asn; replaces threonine 483 with asparagine.
Molecular consequence: missense variant. On other transcripts: non-coding transcript variant (1).
Genome position (GRCh38, 1-based): chr4:56,490,591, C>A. VCF-style: chr4-56490591-C-A. GRCh37 (hg19) VCF-style: chr4-57356757-C-A.
Other names: c.1265C>A, p.Thr422Asn (NM_001267722.2); short protein forms T483N, T422N.
Identifiers: ClinVar variation 436867 (VCV000436867.43), dbSNP rs768437750, ClinGen allele CA2931370.

ClinVar aggregate classification (germline): Uncertain significance. Review status: criteria provided, multiple submitters, no conflicts (2 of 4 stars). 6 submissions from 6 submitters: Uncertain significance (5). 1 of the submissions does not count toward it. Last evaluated 2025-12-12.

Conditions:
Autosomal dominant aplasia and myelodysplasia. Also called: Bone marrow failure syndrome 1. Identifiers: Orphanet 314399, MedGen C3808553, MONDO:0013851, OMIM 614675.

Allele frequency attached by ClinVar (database versions not stated): gnomAD exomes below 0.00001 and 0.00005; ExAC 0.00001; gnomAD 0.00004; TOPMed 0.00004.
gnomAD v4.1: 83 of 1,613,780 alleles (0.0051%); highest among the groups gnomAD compares: Middle Eastern, 0.016%; no homozygotes.

Submissions (6):

Labcorp Genetics (formerly Invitae), Labcorp
Classification: Uncertain significance. Last evaluated: 2025-12-12. Review status: criteria provided, single submitter. Criteria: Invitae Variant Classification Sherloc (09022015). Collection method: clinical testing. Allele origin: germline.
Comment: This sequence change replaces threonine, which is neutral and polar, with asparagine, which is neutral and polar, at codon 483 of the SRP72 protein (p.Thr483Asn). This variant is present in population databases (rs768437750, gnomAD 0.002%). This variant has not been reported in the literature in individuals affected with SRP72-related conditions. ClinVar contains an entry for this variant (Variation ID: 436867). Invitae Evidence Modeling of protein sequence and biophysical properties (such as structural, functional, and spatial information, amino acid conservation, physicochemical variation, residue mobility, and thermodynamic stability) has been performed for this missense variant. However, the output from this modeling did not meet the statistical confidence thresholds required to predict the impact of this variant on SRP72 protein function. In summary, the available evidence is currently insufficient to determine the role of this variant in disease. Therefore, it has been classified as a Variant of Uncertain Significance.

Ambry Genetics
Classification: Uncertain significance. Last evaluated: 2024-12-05. Review status: criteria provided, single submitter. Criteria: Ambry Variant Classification Scheme 2023. Collection method: clinical testing. Allele origin: germline.
Comment: The p.T483N variant (also known as c.1448C>A), located in coding exon 15 of the SRP72 gene, results from a C to A substitution at nucleotide position 1448. The threonine at codon 483 is replaced by asparagine, an amino acid with similar properties. This amino acid position is conserved. In addition, the in silico prediction for this alteration is inconclusive. Based on the available evidence, the clinical significance of this variant remains unclear.

CeGaT Center for Human Genetics Tuebingen
Classification: Uncertain significance. Last evaluated: 2024-12-01. Review status: criteria provided, single submitter. Criteria: CeGaT Center For Human Genetics Tuebingen Variant Classification Criteria Version 2. Collection method: clinical testing. Allele origin: germline. Affected: yes. Observed: 2 variant alleles.

GeneDx
Classification: Uncertain significance. Last evaluated: 2024-06-05. Review status: criteria provided, single submitter. Criteria: GeneDx Variant Classification Process June 2021. Collection method: clinical testing. Allele origin: germline.
Comment: Not observed at significant frequency in large population cohorts (gnomAD); In silico analysis supports that this missense variant has a deleterious effect on protein structure/function; Has not been previously published as pathogenic or benign to our knowledge

Genetic Services Laboratory, University of Chicago
Classification: Uncertain significance. Last evaluated: 2016-06-08. Review status: criteria provided, single submitter. Criteria: ACMG Guidelines, 2015. Collection method: clinical testing. Allele origin: germline. Affected: no.

Laboratory of Immunopathology and Genetics, Medical Laboratory of Pediatric Oncology and Hematology, Central Clinical Hospital of the Medical University of Lodz
Classification: Uncertain significance for Autosomal dominant aplasia and myelodysplasia. Last evaluated: 2024-12-01. Review status: no assertion criteria provided. Collection method: clinical testing. Allele origin: germline. Affected: yes. Observed: 1 variant allele. Not counted in ClinVar's aggregate classification.